The following is an entry in ClinVar:

ClinVar aggregate classification (germline): Likely benign (1 of 4 stars; one submission).

Conditions:
SETX-related disorder. Also called: SETX-related disorders; SETX-related condition. Identifiers: MedGen CN239403.

gnomAD v4.1: 9 of 1,606,044 alleles (0.00056%); highest among the groups gnomAD compares: Non-Finnish European, 0.00077%; no homozygotes.

Submission:

PreventionGenetics, part of Exact Sciences
Classification: Likely benign for SETX-related condition. Last evaluated: 2026-06-05. Review status: criteria provided, single submitter. Criteria: ACMG Guidelines, 2015. Collection method: clinical testing. Allele origin: germline.
Comment: This variant is classified as likely benign based on ACMG/AMP sequence variant interpretation guidelines (Richards et al. 2015 PMID: 25741868, with internal and published modifications).

NM_015046.7(SETX):c.1296T>A (p.Val432=)

Gene: SETX (senataxin; minus strand). Cytogenetic location: 9q34.13.
Variant type: single nucleotide variant.
Coding change: c.1296T>A on transcript NM_015046.7 (MANE Select); coding-DNA position 1296, T replaced by A.
Protein change: p.Val432=; no amino-acid change (valine 432 retained).
Molecular consequence: synonymous variant.
Genome position (GRCh38, 1-based): chr9:132,330,302, A>T on the plus strand (T>A on the coding strand, the complement: SETX is on the minus strand). VCF-style: chr9-132330302-A-T. GRCh37 (hg19) VCF-style: chr9-135205689-A-T.
Other names: c.1296T>A, p.Val432= (NM_001351527.2, NM_001351528.2).
Identifiers: ClinVar variation 5001955 (VCV005001955.1).